The following is an entry in ClinVar:

ClinVar aggregate classification (germline): Uncertain significance. Review status: criteria provided, multiple submitters, no conflicts (2 of 4 stars). 2 submissions from 2 submitters: Uncertain significance (2). Last evaluated 2025-11-11.

Conditions:
Hereditary cancer-predisposing syndrome. Also called: Neoplastic Syndromes, Hereditary; Tumor predisposition; Hereditary neoplastic syndrome; Hereditary Cancer Syndrome. Identifiers: Orphanet 140162, MedGen C0027672, MeSH D009386, MONDO:0015356.

Submissions (2):

Ambry Genetics
Classification: Uncertain significance for Hereditary cancer-predisposing syndrome. Last evaluated: 2025-11-11. Review status: criteria provided, single submitter. Criteria: Ambry Variant Classification Scheme 2023. Collection method: clinical testing. Allele origin: germline.
Comment: The c.4981_4983delGATinsAAC variant (also known as p.D1661N), located in coding exon 34 of the SMARCA4 gene, results from an in-frame deletion of GAT and insertion of AAC at nucleotide positions c.4981 to c.4983. This results in the substitution of the aspartic acid residue for an asparagine residue at codon 1661, an amino acid with highly similar properties. This variant was detected as heterozygous in individual(s) with no reported features of Coffin-Siris syndrome (Ambry internal data). This amino acid position is well conserved in available vertebrate species. In addition, this alteration is predicted to be neutral by in silico analysis (Choi Y et al. PLoS ONE. 2012; 7(10):e46688). Based on the supporting evidence, the association of this alteration with rhabdoid tumor predisposition syndrome is unknown; however, the association of this alteration with Coffin-Siris syndrome is unlikely.

GeneDx
Classification: Uncertain significance. Last evaluated: 2023-01-12. Review status: criteria provided, single submitter. Criteria: GeneDx Variant Classification Process June 2021. Collection method: clinical testing. Allele origin: germline. Affected: yes.
Comment: Not observed at significant frequency in large population cohorts (gnomAD); In silico analysis supports a deleterious effect on protein structure/function; Has not been previously published as pathogenic or benign to our knowledge

NM_003072.5(SMARCA4):c.4885_4887delinsAAC (p.Asp1629Asn)

Gene: SMARCA4 (SWI/SNF related BAF chromatin remodeling complex subunit ATPase 4; plus strand). Cytogenetic location: 19p13.2.
Variant type: Indel.
Coding change: c.4885_4887delinsAAC on transcript NM_003072.5 (MANE Select); coding-DNA positions 4885 to 4887, GAT replaced by AAC.
Protein change: p.Asp1629Asn; replaces aspartic acid 1629 with asparagine.
Molecular consequence: missense variant. On other transcripts: non-coding transcript variant (1).
Genome position (GRCh38, 1-based): chr19:11,060,161-11,060,163, GAT replaced by AAC. VCF-style: chr19-11060161-GAT-AAC. GRCh37 (hg19) VCF-style: chr19-11170837-GAT-AAC.
Other names: c.4885_4887delinsAAC, p.Asp1629Asn (NM_001128844.3); c.4795_4797delinsAAC, p.Asp1599Asn (NM_001128845.2); c.4792_4794delinsAAC, p.Asp1598Asn (NM_001128846.2); c.4786_4788delinsAAC, p.Asp1596Asn (NM_001128847.4, NM_001374457.1); c.4783_4785delinsAAC, p.Asp1595Asn (NM_001128848.2); c.4981_4983delinsAAC, p.Asp1661Asn (NM_001128849.3, NM_001387283.1); c.4882_4884delinsAAC, p.Asp1628Asn (NM_001411150.1); c.4981_4983delGATinsAAC (NM_001128849.1); and 1 more; short protein forms D1596N, D1595N, D1628N, D1598N, D1599N, D1629N, D1661N.
Identifiers: ClinVar variation 2452880 (VCV002452880.5), dbSNP rs2515822575, ClinGen allele CA2580096384.
Genomic context (GRCh38, chr19:11,060,161, plus strand): 5'-CTGAAGGGCGGCCGGCGGCGGCCGAGCCGAGGGTCCCGAGCCAAGCCGGTCGTGAGTGAC[GAT>AAC]GACAGTGAGGAGGAACAAGAGGAGGTGAGGCCGGGCCCCCGAGCAGGCAGAGCTGGCATG-3'
Protein context (NP_003063.2, residues 1619-1639): GSRAKPVVSD[Asp1629Asn]DSEEEQEEDR